The following is an entry in ClinVar:

NM_001851.6(COL9A1):c.839C>T (p.Pro280Leu)

Gene: COL9A1 (collagen type IX alpha 1 chain; minus strand). Cytogenetic location: 6q13.
Variant type: single nucleotide variant.
Coding change: c.839C>T on transcript NM_001851.6 (MANE Select); coding-DNA position 839, C replaced by T.
Protein change: p.Pro280Leu; replaces proline 280 with leucine.
Molecular consequence: missense variant. On other transcripts: non-coding transcript variant (1).
Genome position (GRCh38, 1-based): chr6:70,281,427, G>A on the plus strand (C>T on the coding strand, the complement: COL9A1 is on the minus strand). VCF-style: chr6-70281427-G-A. GRCh37 (hg19) VCF-style: chr6-70991130-G-A.
Other names: c.110C>T, p.Pro37Leu (NM_001377289.1, NM_001377290.1, NM_078485.4); c.839C>T, p.Pro280Leu (NM_001377291.1); short protein forms P37L, P280L.
Identifiers: ClinVar variation 2119896 (VCV002119896.4), dbSNP rs1477827595, ClinGen allele CA364665973.
Genomic context (GRCh38, chr6:70,281,427, plus strand): 5'-GTGGCCTGGAGATAGAAACTTACGTCGATGCCATCGATGCCTGGAACTCCAGGGGGGCCC[G>A]GAGGCCCGGGAGGACCCTGCTCACCCGGGGGACCTCTCTGGCAAAAATAGCAGACATAGG-3'
Protein context (NP_001842.3, residues 270-290): PPGEQGPPGP[Pro280Leu]GPPGVPGIDG

ClinVar aggregate classification (germline): Uncertain significance (1 of 4 stars; one submission).

Allele frequency attached by ClinVar (database versions not stated): gnomAD exomes below 0.00001; TOPMed below 0.00001; gnomAD 0.00001.

Submission:

Labcorp Genetics (formerly Invitae), Labcorp
Classification: Uncertain significance. Last evaluated: 2022-04-30. Review status: criteria provided, single submitter. Criteria: Invitae Variant Classification Sherloc (09022015). Collection method: clinical testing. Allele origin: germline.
Comment: In summary, the available evidence is currently insufficient to determine the role of this variant in disease. Therefore, it has been classified as a Variant of Uncertain Significance. This sequence change replaces proline, which is neutral and non-polar, with leucine, which is neutral and non-polar, at codon 280 of the COL9A1 protein (p.Pro280Leu). This variant is not present in population databases (gnomAD no frequency). This variant has not been reported in the literature in individuals affected with COL9A1-related conditions. Advanced modeling of protein sequence and biophysical properties (such as structural, functional, and spatial information, amino acid conservation, physicochemical variation, residue mobility, and thermodynamic stability) performed at Invitae indicates that this missense variant is not expected to disrupt COL9A1 protein function.